The following is an entry in ClinVar:

ClinVar aggregate classification (germline): Uncertain significance (1 of 4 stars; one submission).

Conditions:
Brody myopathy. Also called: BRODY DISEASE. Identifiers: Orphanet 53347, MedGen C1832918, MONDO:0010977, OMIM 601003.

Allele frequency attached by ClinVar (database versions not stated): gnomAD 0.00001; TOPMed 0.00001; gnomAD exomes 0.00002.
gnomAD v4.1: 24 of 1,613,988 alleles (0.0015%); highest among the groups gnomAD compares: Non-Finnish European, 0.0019%; no homozygotes.

Submission:

Labcorp Genetics (formerly Invitae), Labcorp
Classification: Uncertain significance for Brody myopathy. Last evaluated: 2022-06-21. Review status: criteria provided, single submitter. Criteria: Invitae Variant Classification Sherloc (09022015). Collection method: clinical testing. Allele origin: germline.
Comment: This sequence change replaces valine, which is neutral and non-polar, with alanine, which is neutral and non-polar, at codon 548 of the ATP2A1 protein (p.Val548Ala). This variant is not present in population databases (gnomAD no frequency). This variant has not been reported in the literature in individuals affected with ATP2A1-related conditions. Algorithms developed to predict the effect of missense changes on protein structure and function (SIFT, PolyPhen-2, Align-GVGD) all suggest that this variant is likely to be tolerated. In summary, the available evidence is currently insufficient to determine the role of this variant in disease. Therefore, it has been classified as a Variant of Uncertain Significance.

NM_004320.6(ATP2A1):c.1643T>C (p.Val548Ala)

Gene: ATP2A1 (ATPase sarcoplasmic/endoplasmic reticulum Ca2+ transporting 1; plus strand). Cytogenetic location: 16p11.2.
Variant type: single nucleotide variant.
Coding change: c.1643T>C on transcript NM_004320.6 (MANE Select); coding-DNA position 1643, T replaced by C.
Protein change: p.Val548Ala; replaces valine 548 with alanine.
Molecular consequence: missense variant.
Genome position (GRCh38, 1-based): chr16:28,898,330, T>C. VCF-style: chr16-28898330-T-C. GRCh37 (hg19) VCF-style: chr16-28909651-T-C.
Other names: c.1268T>C, p.Val423Ala (NM_001286075.2); c.1643T>C, p.Val548Ala (NM_173201.5); short protein forms V423A, V548A.
Identifiers: ClinVar variation 2185176 (VCV002185176.1), dbSNP rs1190425328, ClinGen allele CA395409772.